The following is an entry in ClinVar:

ClinVar aggregate classification (germline): Pathogenic (1 of 4 stars; one submission).

Conditions:
Neuronal ceroid lipofuscinosis 3 (CLN3). Identifiers: Orphanet 228346, MedGen C0751383, MONDO:0008767, OMIM 204200.

Submission:

3billion
Classification: Pathogenic for Neuronal ceroid lipofuscinosis 3. Last evaluated: 2024-08-21. Review status: criteria provided, single submitter. Criteria: ACMG Guidelines, 2015. Collection method: clinical testing. Allele origin: germline. Affected: yes.
Comment: The variant is not observed in the gnomAD v4.0.0 dataset. Predicted Consequence/Location: Frameshift: predicted to result in a loss or disruption of normal protein function through nonsense-mediated decay (NMD) or protein truncation. Multiple pathogenic variants are reported downstream of the variant. Therefore, this variant is classified as Pathogenic according to the recommendation of ACMG/AMP guideline.

NM_001042432.2(CLN3):c.402_403dup (p.Ala135fs)

Gene: CLN3 (CLN3 lysosomal/endosomal transmembrane protein, battenin; minus strand). Cytogenetic location: 16p12.1.
Variant type: Microsatellite.
Coding change: c.402_403dup on transcript NM_001042432.2 (MANE Select); coding-DNA positions 402 to 403, 2 bases duplicated (TG; older notation c.402_403dupTG).
Protein change: p.Ala135fs; shifts the reading frame from alanine 135.
Molecular consequence: frameshift variant.
Genome position (GRCh38, 1-based): chr16:28,487,513-28,487,514, CA duplicated on the plus strand (TG on the coding strand, the reverse complement: CLN3 is on the minus strand); duplicating any 2 consecutive bases within chr16:28,487,513-28,487,516 gives the same sequence; the c. name uses the placement nearest the transcript's 3' end. VCF-style (leftmost placement, unchanged base first): chr16-28487512-G-GCA. GRCh37 (hg19) VCF-style: chr16-28498833-G-GCA.
Other names: c.402_403dup, p.Ala135fs (NM_000086.2); c.330_331dup, p.Ala111fs (NM_001286104.2); c.102_103dup, p.Ala35fs (NM_001286105.2); c.168_169dup, p.Ala57fs (NM_001286109.2); c.240_241dup, p.Ala81fs (NM_001286110.2); short protein forms A111fs, A135fs, A35fs, A57fs, A81fs.
Identifiers: ClinVar variation 4293555 (VCV004293555.1).